The following is an entry in ClinVar:

ClinVar aggregate classification (germline): Uncertain significance (1 of 4 stars; one submission).

Conditions:
KRT14-related disorder. Also called: KRT14-related condition.

gnomAD v4.1: 100 of 1,566,706 alleles (0.0064%); highest among the groups gnomAD compares: African/African-American, 0.12%; no homozygotes.

Submission:

PreventionGenetics, part of Exact Sciences
Classification: Uncertain significance for KRT14-related condition. Last evaluated: 2025-11-20. Review status: criteria provided, single submitter. Criteria: ACMG Guidelines, 2015. Collection method: clinical testing. Allele origin: germline.
Comment: The KRT14 c.1405C>T variant is predicted to result in the amino acid substitution p.Arg469Cys. To our knowledge, this variant has not been reported in the literature. This variant is reported in 0.15% of alleles in individuals of African descent in gnomAD, which is likely too common for an undocumented disease-causing variant. Although we suspect that this variant may be benign, at this time, the clinical significance of this variant is uncertain due to the absence of conclusive functional and genetic evidence.

NM_000526.5(KRT14):c.1405C>T (p.Arg469Cys)

Gene: KRT14 (keratin 14; minus strand). Cytogenetic location: 17q21.2.
Variant type: single nucleotide variant.
Coding change: c.1405C>T on transcript NM_000526.5 (MANE Select); coding-DNA position 1405, C replaced by T.
Protein change: p.Arg469Cys; replaces arginine 469 with cysteine.
Molecular consequence: missense variant.
Genome position (GRCh38, 1-based): chr17:41,582,449, G>A on the plus strand (C>T on the coding strand, the complement: KRT14 is on the minus strand). VCF-style: chr17-41582449-G-A. GRCh37 (hg19) VCF-style: chr17-39738701-G-A.
Other names: short protein forms R469C.
Identifiers: ClinVar variation 4980690 (VCV004980690.1).
Genomic context (GRCh38, chr17:41,582,449, plus strand): 5'-GTGTCCACACGGGGGGCCTCCTAGGCCTGAGCGGGGCTGGGCAGCCTCAGTTCTTGGTGC[G>A]AAGGACCTGCTCGTGGGTGGACACCACCTTGCCATCGTGCACATCCATGACCTTGGTGCG-3'
Protein context (NP_000517.3, residues 459-472): KVVSTHEQVL[Arg469Cys]TKN